The following is an entry in ClinVar:

NM_033310.3(KCNK4):c.1012del (p.Asp338fs)

Genes: KCNK4 (potassium two pore domain channel subfamily K member 4; plus strand), KCNK4-CATSPERZ (KCNK4-CATSPERZ readthrough (NMD candidate); plus strand). Cytogenetic location: 11q13.1.
Variant type: Deletion.
Coding change: c.1012del on transcript NM_033310.3 (MANE Select); coding-DNA position 1012, one base deleted (G; older notation c.1012delG).
Protein change: p.Asp338fs; shifts the reading frame from aspartic acid 338.
Molecular consequence: frameshift variant. On other transcripts: non-coding transcript variant (3).
Genome position (GRCh38, 1-based): chr11:64,299,556, G deleted; the last of 2 consecutive G bases (chr11:64,299,555-64,299,556); deleting either gives the same sequence. VCF-style (leftmost placement, unchanged base first): chr11-64299554-TG-T. GRCh37 (hg19) VCF-style: chr11-64067026-TG-T.
Other names: c.1012del, p.Asp338fs (NM_001317090.2); short protein forms D338fs.
Identifiers: ClinVar variation 1381421 (VCV001381421.6), dbSNP rs1017699580, ClinGen allele CA223824500.
Genomic context (GRCh38, chr11:64,299,554, plus strand): 5'-CCCGATCCCCTTCGCCCCCCGAGAAGGCTCAGCCGCCTTCCCCGCCCACGGCCTCGGCCC[TG>T]GATTATCCCAGCGAGAACCTGGCCTTCATCGACGAGTCCTCGGATACGCAGAGCGAGCGC-3'

ClinVar aggregate classification (germline): Uncertain significance (1 of 4 stars; one submission).

Submission:

Labcorp Genetics (formerly Invitae), Labcorp
Classification: Uncertain significance. Last evaluated: 2026-02-02. Review status: criteria provided, single submitter. Criteria: Invitae Variant Classification Sherloc (09022015). Collection method: clinical testing. Allele origin: germline.
Comment: This sequence change is expected to alter the c-terminus of the KCNK4 protein (p.Asp338Ilefs*80). While this is not anticipated to result in nonsense mediated decay, it is expected to disrupt the last 56 amino acid(s) of the KCNK4 protein and extend the protein by 23 additional amino acid residues. This variant is present in population databases (no rsID available, gnomAD 0.003%). This variant has not been reported in the literature in individuals affected with KCNK4-related conditions. ClinVar contains an entry for this variant (Variation ID: 1381421). In summary, the available evidence is currently insufficient to determine the role of this variant in disease. Therefore, it has been classified as a Variant of Uncertain Significance.